The following is an entry in ClinVar:

NM_032119.4(ADGRV1):c.17857-11G>A

Gene: ADGRV1 (adhesion G protein-coupled receptor V1; plus strand). Cytogenetic location: 5q14.3.
Variant type: single nucleotide variant.
Coding change: c.17857-11G>A on transcript NM_032119.4 (MANE Select); 11 bases into the intron before coding-DNA position 17857, G replaced by A.
Molecular consequence: intron variant.
Genome position (GRCh38, 1-based): chr5:90,965,404, G>A. VCF-style: chr5-90965404-G-A. GRCh37 (hg19) VCF-style: chr5-90261221-G-A.
Identifiers: ClinVar variation 505237 (VCV000505237.7), dbSNP rs918520562, ClinGen allele CA658796550.

ClinVar aggregate classification (germline): Conflicting classifications of pathogenicity. Review status: criteria provided, conflicting classifications (1 of 4 stars). 2 submissions from 2 submitters: Uncertain significance (1); Likely benign (1). Last evaluated 2024-10-07.

Allele frequency attached by ClinVar (database versions not stated): gnomAD exomes below 0.00001; gnomAD 0.00001; TOPMed 0.00001.
gnomAD v4.1: 7 of 1,545,892 alleles (0.00045%); highest among the groups gnomAD compares: Middle Eastern, 0.017%; no homozygotes.

Submissions (2):

Labcorp Genetics (formerly Invitae), Labcorp
Classification: Likely benign. Last evaluated: 2024-10-07. Review status: criteria provided, single submitter. Criteria: Invitae Variant Classification Sherloc (09022015). Collection method: clinical testing. Allele origin: germline.

Laboratory for Molecular Medicine, Mass General Brigham Personalized Medicine
Classification: Uncertain significance. Last evaluated: 2016-07-21. Review status: criteria provided, single submitter. Criteria: LMM Criteria. Collection method: clinical testing. Allele origin: germline. Observed: 2 variant alleles.
Comment: The c.17857-11G>A variant in GPR98 has not been previously reported in individua ls with hearing loss or Usher syndrome. Data from large population studies are i nsufficient to assess the frequency of this variant. This variant is located in the 3' splice region. Computational tools do not suggest an impact to splicing. However, this information is not predictive enough to rule out pathogenicity. In summary, the clinical significance of this variant is uncertain.